The following is an entry in ClinVar:

NM_005732.4(RAD50):c.3601T>C (p.Cys1201Arg)

Genes: RAD50 (RAD50 double strand break repair protein; plus strand), TH2-LCR (Th2 cytokine locus control region; plus strand), TH2LCRR (T helper type 2 locus control region associated RNA; minus strand). Cytogenetic location: 5q31.1.
Variant type: single nucleotide variant.
Coding change: c.3601T>C on transcript NM_005732.4 (MANE Select); coding-DNA position 3601, T replaced by C.
Protein change: p.Cys1201Arg; replaces cysteine 1201 with arginine.
Molecular consequence: missense variant. On other transcripts: non-coding transcript variant (3).
Genome position (GRCh38, 1-based): chr5:132,638,206, T>C. VCF-style: chr5-132638206-T-C. GRCh37 (hg19) VCF-style: chr5-131973898-T-C.
Other names: short protein forms C1201R.
Identifiers: ClinVar variation 185730 (VCV000185730.16), dbSNP rs377415802, ClinGen allele CA192773.

ClinVar aggregate classification (germline): Uncertain significance. Review status: criteria provided, multiple submitters, no conflicts (2 of 4 stars). 3 submissions from 3 submitters: Uncertain significance (3). Last evaluated 2025-06-29.

Conditions:
Hereditary cancer-predisposing syndrome. Also called: Tumor predisposition; Neoplastic Syndromes, Hereditary; Hereditary neoplastic syndrome; Hereditary Cancer Syndrome. Identifiers: Orphanet 140162, MedGen C0027672, MeSH D009386, MONDO:0015356.

Allele frequency attached by ClinVar (database versions not stated): gnomAD 0.00001; gnomAD exomes 0.00001 and 0.00004; TOPMed 0.00001; ExAC 0.00002; ESP Exome Variant Server 0.00008.
gnomAD v4.1: 51 of 1,614,038 alleles (0.0032%); highest among the groups gnomAD compares: Non-Finnish European, 0.0043%; no homozygotes.

Submissions (3):

Labcorp Genetics (formerly Invitae), Labcorp
Classification: Uncertain significance for Hereditary cancer-predisposing syndrome. Last evaluated: 2025-06-29. Review status: criteria provided, single submitter. Criteria: Invitae Variant Classification Sherloc (09022015). Collection method: clinical testing. Allele origin: germline.
Comment: This sequence change replaces cysteine, which is neutral and slightly polar, with arginine, which is basic and polar, at codon 1201 of the RAD50 protein (p.Cys1201Arg). This variant is present in population databases (rs377415802, gnomAD 0.007%). This variant has not been reported in the literature in individuals affected with RAD50-related conditions. ClinVar contains an entry for this variant (Variation ID: 185730). Invitae Evidence Modeling of protein sequence and biophysical properties (such as structural, functional, and spatial information, amino acid conservation, physicochemical variation, residue mobility, and thermodynamic stability) indicates that this missense variant is expected to disrupt RAD50 protein function with a positive predictive value of 80%. In summary, the available evidence is currently insufficient to determine the role of this variant in disease. Therefore, it has been classified as a Variant of Uncertain Significance.

Ambry Genetics
Classification: Uncertain significance for Hereditary cancer-predisposing syndrome. Last evaluated: 2025-05-01. Review status: criteria provided, single submitter. Criteria: Ambry Variant Classification Scheme 2023. Collection method: clinical testing. Allele origin: germline.

Blueprint Genetics
Classification: Uncertain significance. Last evaluated: 2022-03-28. Review status: criteria provided, single submitter. Criteria: ACMG Guidelines, 2015. Collection method: clinical testing. Allele origin: germline.